The following is an entry in ClinVar:

ClinVar aggregate classification (germline): Likely benign. Review status: criteria provided, single submitter (1 of 4 stars). 2 submissions from 2 submitters: Likely benign (1). 1 of the submissions does not count toward it. Last evaluated 2025-06-22.

Conditions:
LARS2-related disorder. Also called: LARS2-related condition.

Allele frequency attached by ClinVar (database versions not stated): gnomAD 0.00003; gnomAD exomes 0.00003; TOPMed 0.00003; ESP Exome Variant Server 0.00008; ExAC 0.00003.
gnomAD v4.1: 46 of 1,561,234 alleles (0.0029%); highest among the groups gnomAD compares: Middle Eastern, 0.033%; no homozygotes.

Submissions (2):

Labcorp Genetics (formerly Invitae), Labcorp
Classification: Likely benign. Last evaluated: 2025-06-22. Review status: criteria provided, single submitter. Criteria: Invitae Variant Classification Sherloc (09022015). Collection method: clinical testing. Allele origin: germline.

PreventionGenetics, part of Exact Sciences
Classification: Likely benign for LARS2-related condition. Last evaluated: 2023-08-17. Review status: no assertion criteria provided. Collection method: clinical testing. Allele origin: germline. Not counted in ClinVar's aggregate classification.
Comment: This variant is classified as likely benign based on ACMG/AMP sequence variant interpretation guidelines (Richards et al. 2015 PMID: 25741868, with internal and published modifications).

NM_015340.4(LARS2):c.1123+7A>T

Genes: LARS2 (leucyl-tRNA synthetase 2, mitochondrial; plus strand), LARS2-AS1 (LARS2 antisense RNA 1; minus strand). Cytogenetic location: 3p21.31.
Variant type: single nucleotide variant.
Coding change: c.1123+7A>T on transcript NM_015340.4 (MANE Select); 7 bases into the intron after coding-DNA position 1123, A replaced by T.
Molecular consequence: intron variant.
Genome position (GRCh38, 1-based): chr3:45,485,803, A>T. VCF-style: chr3-45485803-A-T. GRCh37 (hg19) VCF-style: chr3-45527295-A-T.
Other names: c.1123+7A>T (NM_001368263.1).
Identifiers: ClinVar variation 3029784 (VCV003029784.4), dbSNP rs376917391, ClinGen allele CA2349511.